The following is an entry in ClinVar:

ClinVar aggregate classification (germline): Uncertain significance (1 of 4 stars; one submission).

Conditions:
Epidermolysis bullosa simplex 5B, with muscular dystrophy (EBS5B). Also called: EPIDERMOLYSIS BULLOSA SIMPLEX AND LIMB-GIRDLE MUSCULAR DYSTROPHY; Epidermolysis bullosa simplex with muscular dystrophy. Identifiers: Orphanet 257, MedGen C2931072, MONDO:0009181, OMIM 226670.
Epidermolysis bullosa simplex, Ogna type (EBS5A). Also called: Pidermolysis bullosa simplex 5A, Ogna type; EPIDERMOLYSIS BULLOSA SIMPLEX 5A, OGNA TYPE. Identifiers: Orphanet 79401, MedGen C0432317, MONDO:0007555, OMIM 131950.
Epidermolysis bullosa simplex 5C, with pyloric atresia (EBS5C). Also called: Epidermolysis bullosa simplex with pyloric atresia; PLEC-Related Epidermolysis Bullosa with Pyloric Atresia; PLEC1-Related Epidermolysis Bullosa with Pyloric Atresia. Identifiers: Orphanet 158684, MedGen C2677349, MONDO:0012807, OMIM 612138.
Epidermolysis bullosa simplex with nail dystrophy (EBS5D). Identifiers: MedGen C4225309, MONDO:0014661, OMIM 616487.
Autosomal recessive limb-girdle muscular dystrophy type 2Q (LGMDR17). Also called: MUSCULAR DYSTROPHY, LIMB-GIRDLE, AUTOSOMAL RECESSIVE 17. Identifiers: Orphanet 254361, MedGen C3150989, MONDO:0013390, OMIM 613723.

gnomAD v4.1: 4 of 1,611,558 alleles (0.00025%); highest among the groups gnomAD compares: South Asian, 0.0033%; no homozygotes.

Submission:

Labcorp Genetics (formerly Invitae), Labcorp
Classification: Uncertain significance for Autosomal recessive limb-girdle muscular dystrophy type 2Q; Epidermolysis bullosa simplex, Ogna type; Epidermolysis bullosa simplex with nail dystrophy; Epidermolysis bullosa simplex 5C, with pyloric atresia; Epidermolysis bullosa simplex 5B, with muscular dystrophy. Last evaluated: 2022-07-12. Review status: criteria provided, single submitter. Criteria: Invitae Variant Classification Sherloc (09022015). Collection method: clinical testing. Allele origin: germline.
Comment: This sequence change replaces arginine, which is basic and polar, with histidine, which is basic and polar, at codon 423 of the PLEC protein (p.Arg423His). The frequency data for this variant in the population databases is considered unreliable, as metrics indicate poor data quality at this position in the gnomAD database. This variant has not been reported in the literature in individuals affected with PLEC-related conditions. ClinVar contains an entry for this variant (Variation ID: 941873). Algorithms developed to predict the effect of missense changes on protein structure and function are either unavailable or do not agree on the potential impact of this missense change (SIFT: "Deleterious"; PolyPhen-2: "Not Available"; Align-GVGD: "Class C25"). In summary, the available evidence is currently insufficient to determine the role of this variant in disease. Therefore, it has been classified as a Variant of Uncertain Significance.

NM_201384.3(PLEC):c.1187G>A (p.Arg396His)

Gene: PLEC (plectin; minus strand). Cytogenetic location: 8q24.3.
Variant type: single nucleotide variant.
Coding change: c.1187G>A on transcript NM_201384.3 (MANE Select); coding-DNA position 1187, G replaced by A.
Protein change: p.Arg396His; replaces arginine 396 with histidine.
Molecular consequence: missense variant.
Genome position (GRCh38, 1-based): chr8:143,934,074, C>T on the plus strand (G>A on the coding strand, the complement: PLEC is on the minus strand). VCF-style: chr8-143934074-C-T. GRCh37 (hg19) VCF-style: chr8-145008242-C-T.
Other names: c.1268G>A, p.Arg423His (NM_000445.5); c.1145G>A, p.Arg382His (NM_201378.4); c.1121G>A, p.Arg374His (NM_201379.3); c.1598G>A, p.Arg533His (NM_201380.4); c.1091G>A, p.Arg364His (NM_201381.3); c.1187G>A, p.Arg396His (NM_201382.4); c.1199G>A, p.Arg400His (NM_201383.3); short protein forms R396H, R423H, R533H, R364H, R374H, R382H, R400H.
Identifiers: ClinVar variation 941873 (VCV000941873.7), dbSNP rs893559839, ClinGen allele CA187622878.
Genomic context (GRCh38, chr8:143,934,074, plus strand): 5'-TCGGCCTGGTTCAGCTGCTCCTCACACAGCCCCGCCTCCATCTGCAGCTTGGTCACGATG[C>T]GCTGAAGACACTCCAGCCTGCAGCAGCAGCACAGGGAAGGGGCCGCGTTGGCCGGGTCCG-3'
Protein context (NP_958786.1, residues 386-406): SEFERLECLQ[Arg396His]IVTKLQMEAG